The following is an entry in ClinVar:

ClinVar aggregate classification (germline): Likely pathogenic (1 of 4 stars; one submission).

Conditions:
Progressive familial intrahepatic cholestasis type 2. Identifiers: Orphanet 79304, MedGen C3489789, MONDO:0011156, OMIM 601847.

Submission:

Natera, Inc.
Classification: Likely pathogenic for Progressive familial intrahepatic cholestasis type 2. Last evaluated: 2025-11-06. Review status: criteria provided, single submitter. Criteria: Natera Variant Classification Schema (03/2026). Collection method: clinical testing. Allele origin: germline.
Comment: The c.3214-2A>G variant in ABCB11 is a canonical splice acceptor site variant predicted to affect pre-mRNA splicing, which may result in an abnormal transcript and altered protein product. This variant is expected to result in nonsense mediated decay, truncation, or a dysfunctional protein product. This variant is rare in the general population with a frequency below the threshold expected for the associated phenotype(s). Given the available evidence, this variant is classified as Likely Pathogenic.

NM_003742.4(ABCB11):c.3214-2A>G

Gene: ABCB11 (ATP binding cassette subfamily B member 11; minus strand). Cytogenetic location: 2q31.1.
Variant type: single nucleotide variant.
Coding change: c.3214-2A>G on transcript NM_003742.4 (MANE Select); the canonical splice acceptor site of the intron before coding-DNA position 3214, A replaced by G.
Molecular consequence: splice acceptor variant.
Genome position (GRCh38, 1-based): chr2:168,930,864, T>C on the plus strand (A>G on the coding strand, the complement: ABCB11 is on the minus strand). VCF-style: chr2-168930864-T-C. GRCh37 (hg19) VCF-style: chr2-169787374-T-C.
Identifiers: ClinVar variation 4815276 (VCV004815276.1).
Genomic context (GRCh38, chr2:168,930,864, plus strand): 5'-GGTCGAGAAGGATATGTAAATTTACAATCAACAAAATCAATCTTCCCCTGGAAGTTGTCC[T>C]GTGGATGGGAGGATCAAAATTAGAGATGCTCTTACTGAAGCCTAGAATATTGAAAACACA-3'